The following is an entry in ClinVar:

NM_006268.5(DPF2):c.291T>C (p.Ser97=)

Gene: DPF2 (double PHD fingers 2; plus strand). Cytogenetic location: 11q13.1.
Variant type: single nucleotide variant.
Coding change: c.291T>C on transcript NM_006268.5 (MANE Select); coding-DNA position 291, T replaced by C.
Protein change: p.Ser97=; no amino-acid change (serine 97 retained).
Molecular consequence: synonymous variant.
Genome position (GRCh38, 1-based): chr11:65,341,063, T>C. VCF-style: chr11-65341063-T-C. GRCh37 (hg19) VCF-style: chr11-65108534-T-C.
Other names: c.291T>C, p.Ser97= (NM_001330308.2).
Identifiers: ClinVar variation 5040575 (VCV005040575.1).

ClinVar aggregate classification (germline): Likely benign (1 of 4 stars; one submission).

Submission:

CeGaT Center for Human Genetics Tuebingen
Classification: Likely benign. Last evaluated: 2026-08-01. Review status: criteria provided, single submitter. Criteria: CeGaT Center For Human Genetics Tuebingen Variant Classification Criteria Version 2. Collection method: clinical testing. Allele origin: germline. Affected: yes. Observed: 1 variant allele.
Comment: DPF2: BP4, BP7